The following is an entry in ClinVar:

ClinVar aggregate classification (germline): Likely benign (1 of 4 stars; one submission).

Submission:

Dasa
Classification: Likely benign. Last evaluated: 2025-12-26. Review status: criteria provided, single submitter. Criteria: DASA Assertion Criteria. Collection method: clinical testing. Allele origin: germline.
Comment: NM_032444.4(SLX4):c.4883C>G (p.Thr1628Ser) is a missense variant that results in the substitution of threonine with serine. The variant context is inconsistent with a known disease-causing mechanism. Computational prediction algorithms are consistent with a benign effect. Therefore, based on the currently available evidence, this variant is classified as likely benign.

NM_032444.4(SLX4):c.4883C>G (p.Thr1628Ser)

Gene: SLX4 (SLX4 structure-specific endonuclease subunit; minus strand). Cytogenetic location: 16p13.3.
Variant type: single nucleotide variant.
Coding change: c.4883C>G on transcript NM_032444.4 (MANE Select); coding-DNA position 4883, C replaced by G.
Protein change: p.Thr1628Ser; replaces threonine 1628 with serine.
Molecular consequence: missense variant.
Genome position (GRCh38, 1-based): chr16:3,583,367, G>C on the plus strand (C>G on the coding strand, the complement: SLX4 is on the minus strand). VCF-style: chr16-3583367-G-C. GRCh37 (hg19) VCF-style: chr16-3633368-G-C.
Other names: short protein forms T1628S.
Identifiers: ClinVar variation 4856934 (VCV004856934.2).
Genomic context (GRCh38, chr16:3,583,367, plus strand): 5'-GTGGCCTCCTGCTGGGCATGGACCCCTGCCCTTGAAGGCTTGTAGGTCTGGGAGGCGAGG[G>C]TCTGGCAGTGAGGCGCCTGCAACAGCGGCTGTGAGGACTGGCTCTCGTCCTCGGAGTCTG-3'
Protein context (NP_115820.2, residues 1618-1638): QPLLQAPHCQ[Thr1628Ser]LASQTYKPSR